The following is an entry in ClinVar:

NM_001127208.3(TET2):c.325A>T (p.Ile109Phe)

Genes: TET2 (tet methylcytosine dioxygenase 2; plus strand), TET2-AS1 (TET2 antisense RNA 1; minus strand). Cytogenetic location: 4q24.
Variant type: single nucleotide variant.
Coding change: c.325A>T on transcript NM_001127208.3 (MANE Select); coding-DNA position 325, A replaced by T.
Protein change: p.Ile109Phe; replaces isoleucine 109 with phenylalanine.
Molecular consequence: missense variant.
Genome position (GRCh38, 1-based): chr4:105,234,267, A>T. VCF-style: chr4-105234267-A-T. GRCh37 (hg19) VCF-style: chr4-106155424-A-T.
Other names: c.325A>T, p.Ile109Phe (NM_017628.4); short protein forms I109F.
Identifiers: ClinVar variation 4182961 (VCV004182961.1).

ClinVar aggregate classification (germline): Uncertain significance (1 of 4 stars; one submission).

Submission:

Ambry Genetics
Classification: Uncertain significance. Last evaluated: 2025-07-13. Review status: criteria provided, single submitter. Criteria: Ambry Variant Classification Scheme 2023. Collection method: clinical testing. Allele origin: germline.
Comment: The p.I109F variant (also known as c.325A>T), located in coding exon 1 of the TET2 gene, results from an A to T substitution at nucleotide position 325. The isoleucine at codon 109 is replaced by phenylalanine, an amino acid with highly similar properties. This amino acid position is conserved. In addition, this alteration is predicted to be tolerated by in silico analysis. Based on the available evidence, the clinical significance of this variant remains unclear.